The following is an entry in ClinVar:

ClinVar aggregate classification (germline): Uncertain significance (1 of 4 stars; one submission).

Conditions:
Hypertrophic cardiomyopathy 14. Identifiers: MedGen C2750467, MONDO:0013197, OMIM 613251.

Submission:

Neuberg Centre For Genomic Medicine, NCGM
Classification: Uncertain significance for Hypertrophic cardiomyopathy 14. Review status: criteria provided, single submitter. Criteria: ACMG Guidelines, 2015. Collection method: clinical testing. Allele origin: germline. Inheritance: Autosomal dominant inheritance. Affected: yes.
Comment: The frameshift variant c.5360del(p.Asn1787ThrfsTer53) in MYH6 gene has not been reported previously as a pathogenic variant nor as a benign variant, to our knowledge. The p.Asn1787ThrfsTer53 variant is novel (not in any individuals) in gnomAD Exomes and 1000 Genomes. This variant causes a frameshift starting with codon Asparagine 1787, changes this amino acid to Threonine residue, and creates a premature Stop codon at position 53 of the new reading frame, denoted p.Asn1787ThrfsTer53. The above variant is a loss of function variant in a gene which is tolerant to LOF. Most described disease causing variants are missense variants and hence it has been classified as Uncertain Significance .

NM_002471.4(MYH6):c.5360del (p.Asn1787fs)

Gene: MYH6 (myosin heavy chain 6; minus strand). Cytogenetic location: 14q11.2.
Variant type: Deletion.
Coding change: c.5360del on transcript NM_002471.4 (MANE Select); coding-DNA position 5360, one base deleted (A; older notation c.5360delA).
Protein change: p.Asn1787fs; shifts the reading frame from asparagine 1787.
Molecular consequence: frameshift variant.
Genome position (GRCh38, 1-based): chr14:23,384,647, T deleted on the plus strand (A on the coding strand, the reverse complement: MYH6 is on the minus strand); the first of 2 consecutive T bases (chr14:23,384,647-23,384,648); deleting either gives the same sequence. VCF-style (leftmost placement, unchanged base first): chr14-23384646-GT-G. GRCh37 (hg19) VCF-style: chr14-23853855-GT-G.
Other names: c.5359delA, p.Asn1787Thrfs (NM_002471.3); short protein forms N1787fs.
Identifiers: ClinVar variation 2585276 (VCV002585276.1), dbSNP rs2502137159, ClinGen allele CA2582341662.